The following is an entry in ClinVar:

NM_002816.5(PSMD12):c.662A>C (p.Lys221Thr)

Gene: PSMD12 (proteasome 26S subunit, non-ATPase 12; minus strand). Cytogenetic location: 17q24.2.
Variant type: single nucleotide variant.
Coding change: c.662A>C on transcript NM_002816.5 (MANE Select); coding-DNA position 662, A replaced by C.
Protein change: p.Lys221Thr; replaces lysine 221 with threonine.
Molecular consequence: missense variant.
Genome position (GRCh38, 1-based): chr17:67,347,249, T>G on the plus strand (A>C on the coding strand, the complement: PSMD12 is on the minus strand). VCF-style: chr17-67347249-T-G. GRCh37 (hg19) VCF-style: chr17-65343365-T-G.
Other names: c.662A>C (NM_002816.3); c.485A>C, p.Lys162Thr (NM_001316341.2); c.602A>C, p.Lys201Thr (NM_174871.4); short protein forms K162T, K201T, K221T.
Identifiers: ClinVar variation 3062170 (VCV003062170.3), dbSNP rs1221537109, ClinGen allele CA400804762.
Genomic context (GRCh38, chr17:67,347,249, plus strand): 5'-AAATAGGATCCCTCATGTTGATCCAGCTGAATCATTAAATTATAGTACTTCAACTTTAAT[T>G]TCTGCAAAAAAGTTGACAAAACAAATTGGGGTTTATGGGTTTTATTCATACTTTTAAAGT-3'
Protein context (NP_002807.1, residues 211-231): TKFFQEENTE[Lys221Thr]LKLKYYNLMI

ClinVar aggregate classification (germline): Uncertain significance. Review status: criteria provided, multiple submitters, no conflicts (2 of 4 stars). 2 submissions from 2 submitters: Uncertain significance (2). Last evaluated 2025-10-15.

Conditions:
Inborn genetic diseases. Identifiers: MedGen C0950123, MeSH D030342.

Allele frequency attached by ClinVar (database versions not stated): gnomAD exomes 0.00001; TOPMed 0.00001; gnomAD 0.00002.
gnomAD v4.1: 11 of 1,612,760 alleles (0.00068%); highest among the groups gnomAD compares: Non-Finnish European, 0.00093%; no homozygotes.

Submissions (2):

Ambry Genetics
Classification: Uncertain significance for Inborn genetic diseases. Last evaluated: 2025-10-15. Review status: criteria provided, single submitter. Criteria: Ambry Variant Classification Scheme 2023. Collection method: clinical testing. Allele origin: germline.

Centre of Medical Genetics, University Hospital Muenster
Classification: Uncertain significance. Last evaluated: 2023-08-01. Review status: criteria provided, single submitter. Criteria: ACMG Guidelines, 2015. Collection method: clinical testing. Allele origin: unknown. Affected: yes. Observed: 1 variant allele, 1 heterozygote.
Comment: ACMG categories: PM2,PP3,BP1